The following is an entry in ClinVar:

ClinVar aggregate classification (germline): Benign/Likely benign. Review status: criteria provided, multiple submitters, no conflicts (2 of 4 stars). 4 submissions from 4 submitters: Benign (1); Likely benign (3). Last evaluated 2025-12-01.

Conditions:
LONP1-related disorder. Also called: LONP1-related disorders; LONP1-related condition.

Allele frequency attached by ClinVar (database versions not stated): gnomAD exomes 0.00065; ExAC 0.00082; 1000 Genomes Project 30x 0.00219; 1000 Genomes Project 0.00240; gnomAD 0.00253 and 0.00276; TOPMed 0.00281; ESP Exome Variant Server 0.00308.
gnomAD v4.1: 797 of 1,613,970 alleles (0.049%); highest among the groups gnomAD compares: African/African-American, 0.94%; 5 homozygotes.

Submissions (4):

Labcorp Genetics (formerly Invitae), Labcorp
Classification: Benign. Last evaluated: 2025-12-01. Review status: criteria provided, single submitter. Criteria: Invitae Variant Classification Sherloc (09022015). Collection method: clinical testing. Allele origin: germline.

PreventionGenetics, part of Exact Sciences
Classification: Likely benign for LONP1-related condition. Last evaluated: 2025-11-15. Review status: criteria provided, single submitter. Criteria: ACMG Guidelines, 2015. Collection method: clinical testing. Allele origin: germline.
Comment: This variant is classified as likely benign based on ACMG/AMP sequence variant interpretation guidelines (Richards et al. 2015 PMID: 25741868, with internal and published modifications).

CeGaT Center for Human Genetics Tuebingen
Classification: Likely benign. Last evaluated: 2025-07-01. Review status: criteria provided, single submitter. Criteria: CeGaT Center For Human Genetics Tuebingen Variant Classification Criteria Version 2. Collection method: clinical testing. Allele origin: germline. Affected: yes. Observed: 1 variant allele.
Comment: LONP1: BP4

Blueprint Genetics
Classification: Likely benign. Last evaluated: 2024-11-25. Review status: criteria provided, single submitter. Criteria: ACMG Guidelines, 2015. Collection method: clinical testing. Allele origin: germline.

NM_004793.4(LONP1):c.2538+6C>T

Gene: LONP1 (lon peptidase 1, mitochondrial; minus strand). Cytogenetic location: 19p13.3.
Variant type: single nucleotide variant.
Coding change: c.2538+6C>T on transcript NM_004793.4 (MANE Select); 6 bases into the intron after coding-DNA position 2538, C replaced by T.
Molecular consequence: intron variant.
Genome position (GRCh38, 1-based): chr19:5,693,546, G>A on the plus strand (C>T on the coding strand, the complement: LONP1 is on the minus strand). VCF-style: chr19-5693546-G-A. GRCh37 (hg19) VCF-style: chr19-5693557-G-A.
Other names: c.1950+6C>T (NM_001276480.1); c.2346+6C>T (NM_001276479.2).
Identifiers: ClinVar variation 709956 (VCV000709956.21), dbSNP rs201504721, ClinGen allele CA9114083.